The following is an entry in ClinVar:

NM_000301.5(PLG):c.1469G>A (p.Arg490Gln)

Gene: PLG (plasminogen; plus strand). Cytogenetic location: 6q26.
Variant type: single nucleotide variant.
Coding change: c.1469G>A on transcript NM_000301.5 (MANE Select); coding-DNA position 1469, G replaced by A.
Protein change: p.Arg490Gln; replaces arginine 490 with glutamine.
Molecular consequence: missense variant.
Genome position (GRCh38, 1-based): chr6:160,731,775, G>A. VCF-style: chr6-160731775-G-A. GRCh37 (hg19) VCF-style: chr6-161152807-G-A.
Other names: short protein forms R490Q.
Identifiers: ClinVar variation 76224 (VCV000076224.17), dbSNP rs140537724, ClinGen allele CA4087798.

ClinVar aggregate classification (germline): Conflicting classifications of pathogenicity. Review status: criteria provided, conflicting classifications (1 of 4 stars). 8 submissions from 7 submitters: Uncertain significance (3); Likely benign (2). 3 of the submissions do not count toward it. Last evaluated 2026-02-04.

Conditions:
PLG-related disorder. Also called: PLG-related condition.
Thrombus. Identifiers: MedGen C0087086, MeSH D013927.
Plasminogen deficiency, type I. Also called: Type 1 plasminogen deficiency; Hypoplasminogenemia. Identifiers: Orphanet 722, MedGen C1968804, MONDO:0009009, OMIM 217090.
Deep venous thrombosis. Also called: Deep vein thrombosis. Identifiers: MedGen C0149871, MeSH D020246, HP:0002625.
Thrombocytopenia. Identifiers: MedGen C0040034, MeSH D013921, MONDO:0002049, HP:0001873.
Abnormal bleeding. Also called: Bleeding diathesis. Identifiers: MedGen C1458140, HP:0001892.

Allele frequency attached by ClinVar (database versions not stated): 1000 Genomes Project 30x 0.00062; 1000 Genomes Project 0.00080; ExAC 0.00115; gnomAD exomes 0.00116; TOPMed 0.00130; gnomAD 0.00131 and 0.00140; ESP Exome Variant Server 0.00192.
gnomAD v4.1: 3,082 of 1,613,926 alleles (0.19%); highest among the groups gnomAD compares: Non-Finnish European, 0.25%; 4 homozygotes.

Submissions (8):

Women's Health and Genetics/Laboratory Corporation of America, LabCorp
Classification: Likely benign. Last evaluated: 2026-02-04. Review status: criteria provided, single submitter. Criteria: LabCorp Variant Classification Summary - May 2015. Collection method: clinical testing. Allele origin: germline.
Comment: Variant summary: PLG c.1469G>A (p.Arg490Gln) results in a conservative amino acid change in the encoded protein sequence. Algorithms developed to predict the effect of missense changes on protein structure and function are either unavailable or do not agree on the potential impact of this missense change. The variant allele was found at a frequency of 0.0012 in 251406 control chromosomes, predominantly at a frequency of 0.0023 within the Non-Finnish European subpopulation in the gnomAD database. The observed variant frequency within Non-Finnish European control individuals in the gnomAD database exceeds the estimated maximal expected allele frequency for disease-causing variants in PLG. This report does not provide unequivocal conclusions about association of the variant with PLG-related conditions. To our knowledge, no occurrence of the variant in individuals affected with Plasminogen Deficiency and no experimental evidence demonstrating an impact on protein function has been reported. The following publication has been ascertained in the context of this evaluation (PMID: 33114181). ClinVar contains an entry for this variant (Variation ID: 76224). Based on the evidence outlined above, the variant was classified as likely benign.

Labcorp Genetics (formerly Invitae), Labcorp
Classification: Likely benign. Last evaluated: 2026-02-01. Review status: criteria provided, single submitter. Criteria: Invitae Variant Classification Sherloc (09022015). Collection method: clinical testing. Allele origin: germline.

Clinical Genetics DNA and cytogenetics Diagnostics Lab, Erasmus MC, Erasmus Medical Center
Classification: Uncertain significance for Plasminogen deficiency, type I. Last evaluated: 2017-11-03. Review status: criteria provided, single submitter. Criteria: ACGS Guidelines, 2013. Collection method: clinical testing. Allele origin: germline. Affected: yes. Study: VKGL Data-share Consensus.

ISTH-SSC Genomics in Thrombosis and Hemostasis, KU Leuven, Center for Molecular and Vascular Biology
Classification: Uncertain significance for Deep venous thrombosis. Review status: criteria provided, single submitter. Criteria: ACMG Guidelines, 2015. Collection method: clinical testing. Allele origin: unknown. Affected: yes.
Comment: Submitted to GoldVariant by Kathleen Freson, Center for Molecular and Vascular Biology, Leuven, Belgium

ISTH-SSC Genomics in Thrombosis and Hemostasis, KU Leuven, Center for Molecular and Vascular Biology
Classification: Uncertain significance for Thrombus. Review status: criteria provided, single submitter. Criteria: ACMG Guidelines, 2015. Collection method: clinical testing. Allele origin: germline. Affected: yes. Observed: 1 heterozygote.
Comment: Submitted to the GoldVariant database by Kathleen Freson, Center for Molecular and Vascular Biology

PreventionGenetics, part of Exact Sciences
Classification: Likely benign for PLG-related condition. Last evaluated: 2023-06-14. Review status: no assertion criteria provided. Collection method: clinical testing. Allele origin: germline. Not counted in ClinVar's aggregate classification.
Comment: This variant is classified as likely benign based on ACMG/AMP sequence variant interpretation guidelines (Richards et al. 2015 PMID: 25741868, with internal and published modifications).

Birmingham Platelet Group; University of Birmingham
Classification: Uncertain significance for Thrombocytopenia; Abnormal bleeding. Last evaluated: 2020-05-01. Review status: no assertion criteria provided. Collection method: research. Allele origin: germline. Affected: yes. Not counted in ClinVar's aggregate classification.

Genome Diagnostics Laboratory, Amsterdam University Medical Center
Classification: Uncertain significance. Review status: no assertion criteria provided. Collection method: clinical testing. Allele origin: germline. Affected: yes. Study: VKGL Data-share Consensus. Not counted in ClinVar's aggregate classification.

Literature cited by the submitters: PubMed 33114181 (cited by Women's Health and Genetics/Laboratory Corporation of America, LabCorp); PubMed 34355501 (cited by ISTH-SSC Genomics in Thrombosis and Hemostasis, KU Leuven, Center for Molecular and Vascular Biology).